The following is an entry in ClinVar:

NM_001122630.2(CDKN1C):c.540_545dup (p.168_169AP[9])

Gene: CDKN1C (cyclin dependent kinase inhibitor 1C; minus strand). Cytogenetic location: 11p15.4.
Variant type: Duplication.
Coding change: c.540_545dup on transcript NM_001122630.2 (MANE Select); coding-DNA positions 540 to 545, 6 bases duplicated (CCCGGC; older notation c.540_545dupCCCGGC).
Protein change: p.168_169AP[9].
Molecular consequence: inframe insertion. On other transcripts: intron variant (1).
Genome position (GRCh38, 1-based): chr11:2,884,912-2,884,917, GCCGGG duplicated on the plus strand (CCCGGC on the coding strand, the reverse complement: CDKN1C is on the minus strand); duplicating any 6 consecutive bases within chr11:2,884,912-2,884,922 gives the same sequence; the c. name uses the placement nearest the transcript's 3' end. VCF-style (leftmost placement, unchanged base first): chr11-2884911-A-AGCCGGG. GRCh37 (hg19) VCF-style: chr11-2906141-A-AGCCGGG.
Other names: c.573_578dupCCCGGC (NM_000076.2); c.573_578dup, p.179_180AP[9] (LRG_533t1, NM_000076.2, NM_001362474.2); c.540_545dup, p.168_169AP[9] (NM_001122631.2); c.255+285_255+290dup (NM_001362475.2); c.573_578dup6 (NM_000076.2).
Identifiers: ClinVar variation 454015 (VCV000454015.12), dbSNP rs1302209410, ClinGen allele CA658656116.

ClinVar aggregate classification (germline): Conflicting classifications of pathogenicity. Review status: criteria provided, conflicting classifications (1 of 4 stars). 2 submissions from 2 submitters: Uncertain significance (1); Likely benign (1). Last evaluated 2025-11-10.

Conditions:
CDKN1C-related disorder. Also called: CDKN1C-related condition.
Beckwith-Wiedemann syndrome (BWS). Also called: EMG SYNDROME; Exomphalos macroglossia gigantism syndrome. Identifiers: Orphanet 116, MedGen C0004903, MONDO:0007534, OMIM 130650.

Submissions (2):

Labcorp Genetics (formerly Invitae), Labcorp
Classification: Likely benign for Beckwith-Wiedemann syndrome. Last evaluated: 2025-11-10. Review status: criteria provided, single submitter. Criteria: Invitae Variant Classification Sherloc (09022015). Collection method: clinical testing. Allele origin: germline.

PreventionGenetics, part of Exact Sciences
Classification: Uncertain significance for CDKN1C-related condition. Last evaluated: 2022-10-14. Review status: criteria provided, single submitter. Criteria: ACMG Guidelines, 2015. Collection method: clinical testing. Allele origin: germline.
Comment: The CDKN1C c.573_578dup6 variant is predicted to result in an in-frame duplication (p.Ala193_Pro194dup). To our knowledge, this particular variant has not been reported in the literature or in a large population database, indicating this variant is rare. However, other variants resulting in the same impact on the protein (p.Ala193_Pro194dup) has been reported in a total of 4 heterozygous individuals in gnomAD. Furthermore, this variant is interpreted as likely benign in ClinVar. While we suspect this variant to be benign, at this time we interpret its clinical significance as uncertain due to the absence of conclusive functional and genetic evidence.